The following is an entry in ClinVar:

NM_006010.6(MANF):c.-8_-6dup

Genes: MANF (mesencephalic astrocyte derived neurotrophic factor; plus strand), LOC129936816 (ATAC-STARR-seq lymphoblastoid silent region 14408; plus strand). Cytogenetic location: 3p21.2.
Variant type: Duplication.
Coding change: c.-8_-6dup on transcript NM_006010.6 (MANE Select); 8 bases upstream of the start codon through 6 bases upstream of the start codon, 3 bases duplicated (TGA; older notation c.-8_-6dupTGA).
Molecular consequence: 5 prime UTR variant.
Genome position (GRCh38, 1-based): chr3:51,385,335-51,385,337, TGA duplicated; duplicating any 3 consecutive bases within chr3:51,385,333-51,385,337 gives the same sequence; the c. name uses the placement nearest the transcript's 3' end. VCF-style (leftmost placement, unchanged base first): chr3-51385332-G-GGAT. GRCh37 (hg19) VCF-style: chr3-51422766-G-TGAT.
Identifiers: ClinVar variation 3034168 (VCV003034168.1), dbSNP rs61570769, ClinGen allele CA74673946.

ClinVar aggregate classification (germline): Likely benign (1 of 4 stars; one submission).

Conditions:
MANF-related disorder. Also called: MANF-related condition.

Submission:

PreventionGenetics, part of Exact Sciences
Classification: Likely benign for MANF-related condition. Last evaluated: 2022-04-12. Review status: criteria provided, single submitter. Criteria: ACMG Guidelines, 2015. Collection method: clinical testing. Allele origin: germline.
Comment: This variant is classified as likely benign based on ACMG/AMP sequence variant interpretation guidelines (Richards et al. 2015 PMID: 25741868, with internal and published modifications).